The following is an entry in ClinVar:

ClinVar aggregate classification (germline): Uncertain significance. Review status: criteria provided, multiple submitters, no conflicts (2 of 4 stars). 2 submissions from 2 submitters: Uncertain significance (2). Last evaluated 2022-08-13.

Allele frequency attached by ClinVar (database versions not stated): gnomAD 0.00001; gnomAD exomes 0.00001; TOPMed 0.00002.
gnomAD v4.1: 52 of 1,614,116 alleles (0.0032%); highest among the groups gnomAD compares: Middle Eastern, 0.51%; 2 homozygotes.

Submissions (2):

Labcorp Genetics (formerly Invitae), Labcorp
Classification: Uncertain significance. Last evaluated: 2022-08-13. Review status: criteria provided, single submitter. Criteria: Invitae Variant Classification Sherloc (09022015). Collection method: clinical testing. Allele origin: germline.
Comment: This variant is present in population databases (no rsID available, gnomAD 0.002%). This sequence change replaces leucine, which is neutral and non-polar, with glutamine, which is neutral and polar, at codon 717 of the AHR protein (p.Leu717Gln). In summary, the available evidence is currently insufficient to determine the role of this variant in disease. Therefore, it has been classified as a Variant of Uncertain Significance. Algorithms developed to predict the effect of missense changes on protein structure and function are either unavailable or do not agree on the potential impact of this missense change (SIFT: "Deleterious"; PolyPhen-2: "Probably Damaging"; Align-GVGD: "Class C0"). ClinVar contains an entry for this variant (Variation ID: 1414021). This variant has not been reported in the literature in individuals affected with AHR-related conditions.

Ambry Genetics
Classification: Uncertain significance. Last evaluated: 2021-12-02. Review status: criteria provided, single submitter. Criteria: Ambry Variant Classification Scheme 2023. Collection method: clinical testing. Allele origin: germline.

NM_001621.5(AHR):c.2150T>A (p.Leu717Gln)

Gene: AHR (aryl hydrocarbon receptor; plus strand). Cytogenetic location: 7p21.1.
Variant type: single nucleotide variant.
Coding change: c.2150T>A on transcript NM_001621.5 (MANE Select); coding-DNA position 2150, T replaced by A.
Protein change: p.Leu717Gln; replaces leucine 717 with glutamine.
Molecular consequence: missense variant.
Genome position (GRCh38, 1-based): chr7:17,339,975, T>A. VCF-style: chr7-17339975-T-A. GRCh37 (hg19) VCF-style: chr7-17379599-T-A.
Other names: c.2150T>A (NM_001621.4); short protein forms L717Q.
Identifiers: ClinVar variation 1414021 (VCV001414021.8), dbSNP rs868478703, ClinGen allele CA154121455.